The following is an entry in ClinVar:

ClinVar aggregate classification (germline): Uncertain significance. Review status: criteria provided, multiple submitters, no conflicts (2 of 4 stars). 6 submissions from 6 submitters: Uncertain significance (6). Last evaluated 2026-06-08.

Conditions:
Hereditary cancer-predisposing syndrome. Also called: Tumor predisposition; Hereditary neoplastic syndrome; Neoplastic Syndromes, Hereditary; Hereditary Cancer Syndrome. Identifiers: Orphanet 140162, MedGen C0027672, MeSH D009386, MONDO:0015356.
Peutz-Jeghers syndrome (PJS). Also called: POLYPOSIS, HAMARTOMATOUS INTESTINAL; POLYPS-AND-SPOTS SYNDROME; Peutz-Jeghers polyposis; Periorificial lentiginosis syndrome. Identifiers: Orphanet 2869, MedGen C0031269, MeSH D010580, MONDO:0008280, OMIM 175200.

Allele frequency attached by ClinVar (database versions not stated): gnomAD 0.00001; TOPMed 0.00001.
gnomAD v4.1: 2 of 1,609,902 alleles (0.00012%); highest among the groups gnomAD compares: African/African-American, 0.0027%; no homozygotes.

Submissions (6):

Women's Health and Genetics/Laboratory Corporation of America, LabCorp
Classification: Uncertain significance. Last evaluated: 2026-06-08. Review status: criteria provided, single submitter. Criteria: LabCorp Variant Classification Summary - May 2015. Collection method: clinical testing. Allele origin: germline.
Comment: Variant summary: STK11 c.839C>T (p.Pro280Leu) results in a non-conservative amino acid change located in the Protein kinase domain (IPR000719) of the encoded protein sequence. Algorithms developed to predict the effect of missense changes on protein structure and function are either unavailable or do not agree on the potential impact of this missense change. The variant was absent in 241804 control chromosomes. The available data on variant occurrences in the general population are insufficient to allow any conclusion about variant significance. c.839C>T has been reported in the literature in one individual affected with melanoma (Siroy_2014). The report does not provide unequivocal conclusions about association of the variant with Peutz-Jeghers Syndrome. To our knowledge, no experimental evidence demonstrating an impact on protein function has been reported. ClinVar contains an entry for this variant (Variation ID: 822377). Based on the evidence outlined above, the variant was classified as uncertain significance.

Labcorp Genetics (formerly Invitae), Labcorp
Classification: Uncertain significance for Peutz-Jeghers syndrome. Last evaluated: 2026-01-04. Review status: criteria provided, single submitter. Criteria: Invitae Variant Classification Sherloc (09022015). Collection method: clinical testing. Allele origin: germline.
Comment: This sequence change replaces proline, which is neutral and non-polar, with leucine, which is neutral and non-polar, at codon 280 of the STK11 protein (p.Pro280Leu). This variant is not present in population databases (gnomAD no frequency). This variant has not been reported in the literature in individuals affected with STK11-related conditions. ClinVar contains an entry for this variant (Variation ID: 822377). Invitae Evidence Modeling of protein sequence and biophysical properties (such as structural, functional, and spatial information, amino acid conservation, physicochemical variation, residue mobility, and thermodynamic stability) has been performed for this missense variant. However, the output from this modeling did not meet the statistical confidence thresholds required to predict the impact of this variant on STK11 protein function. In summary, the available evidence is currently insufficient to determine the role of this variant in disease. Therefore, it has been classified as a Variant of Uncertain Significance.

Ambry Genetics
Classification: Uncertain significance for Hereditary cancer-predisposing syndrome. Last evaluated: 2025-06-27. Review status: criteria provided, single submitter. Criteria: Ambry Variant Classification Scheme 2023. Collection method: clinical testing. Allele origin: germline.
Comment: The p.P280L variant (also known as c.839C>T), located in coding exon 6 of the STK11 gene, results from a C to T substitution at nucleotide position 839. The proline at codon 280 is replaced by leucine, an amino acid with similar properties. This amino acid position is highly conserved in available vertebrate species. In addition, this alteration is predicted to be tolerated by in silico analysis. Since supporting evidence is limited at this time, the clinical significance of this alteration remains unclear.

Color Diagnostics, LLC DBA Color Health
Classification: Uncertain significance for Hereditary cancer-predisposing syndrome. Last evaluated: 2024-08-12. Review status: criteria provided, single submitter. Criteria: ACMG Guidelines, 2015. Collection method: clinical testing. Allele origin: germline.
Comment: This missense variant replaces proline with leucine at codon 280 of the STK11 protein. Computational prediction suggests that this variant may not impact protein structure and function. To our knowledge, functional studies have not been reported for this variant. This variant has not been reported in individuals affected with hereditary cancer in the literature. This variant has not been identified in the general population by the Genome Aggregation Database (gnomAD). The available evidence is insufficient to determine the role of this variant in disease conclusively. Therefore, this variant is classified as a Variant of Uncertain Significance.

All of Us Research Program, National Institutes of Health
Classification: Uncertain significance for Peutz-Jeghers syndrome. Last evaluated: 2024-04-16. Review status: criteria provided, single submitter. Criteria: ACMG Guidelines, 2015. Collection method: clinical testing. Allele origin: germline. Inheritance: Autosomal dominant inheritance. Observed: 2 variant alleles, 2 heterozygotes.
Comment: This missense variant replaces proline with leucine at codon 280 of the STK11 protein. Computational prediction suggests that this variant may not impact protein structure and function (internally defined REVEL score threshold <= 0.5, PMID: 27666373). To our knowledge, functional studies have not been reported for this variant. This variant has not been reported in individuals affected with hereditary cancer in the literature. This variant has not been identified in the general population by the Genome Aggregation Database (gnomAD). The available evidence is insufficient to determine the role of this variant in disease conclusively. Therefore, this variant is classified as a Variant of Uncertain Significance.

This study involves interpretation of variants in research participants for the purpose of population health screening. Participant phenotype was not available at the time of variant classification. Additional details can be found in publication PMID: 35346344, PMCID: PMC8962531

Genome-Nilou Lab
Classification: Uncertain significance for Peutz-Jeghers syndrome. Last evaluated: 2021-07-15. Review status: criteria provided, single submitter. Criteria: ACMG Guidelines, 2015. Collection method: clinical testing. Allele origin: germline. Affected: no.

Literature cited by the submitters: PubMed 25148578 (cited by Women's Health and Genetics/Laboratory Corporation of America, LabCorp).

NM_000455.5(STK11):c.839C>T (p.Pro280Leu)

Gene: STK11 (serine/threonine kinase 11; plus strand). Cytogenetic location: 19p13.3.
Variant type: single nucleotide variant.
Coding change: c.839C>T on transcript NM_000455.5 (MANE Select); coding-DNA position 839, C replaced by T.
Protein change: p.Pro280Leu; replaces proline 280 with leucine.
Molecular consequence: missense variant.
Genome position (GRCh38, 1-based): chr19:1,221,317, C>T. VCF-style: chr19-1221317-C-T. GRCh37 (hg19) VCF-style: chr19-1221316-C-T.
Other names: short protein forms P280L.
Identifiers: ClinVar variation 822377 (VCV000822377.18), dbSNP rs1356762205, ClinGen allele CA402950704.